The following is an entry in ClinVar:

NM_001134363.3(RBM20):c.541G>A (p.Gly181Arg)

Gene: RBM20 (RNA binding motif protein 20; plus strand). Cytogenetic location: 10q25.2.
Variant type: single nucleotide variant.
Coding change: c.541G>A on transcript NM_001134363.3 (MANE Select); coding-DNA position 541, G replaced by A.
Protein change: p.Gly181Arg; replaces glycine 181 with arginine.
Molecular consequence: missense variant.
Genome position (GRCh38, 1-based): chr10:110,781,150, G>A. VCF-style: chr10-110781150-G-A. GRCh37 (hg19) VCF-style: chr10-112540908-G-A.
Other names: c.541G>A (NM_001134363.2, LRG_382t1); short protein forms G181R.
Identifiers: ClinVar variation 373358 (VCV000373358.18), dbSNP rs543478618, ClinGen allele CA5688518.
Genomic context (GRCh38, chr10:110,781,150, plus strand): 5'-AGTACCCGGTTTCCCTCTAATGCAATTGCCTTTTCACCCCCCAGCCAGACACGAGGCCCC[G>A]GACCCTCCATGAACCTTCCCAACCAGCCACCCAGTGCCATGGTGATGCATCCTTTCACTG-3'
Protein context (NP_001127835.2, residues 171-191): FSPPSQTRGP[Gly181Arg]PSMNLPNQPP

ClinVar aggregate classification (germline): Conflicting classifications of pathogenicity. Review status: criteria provided, conflicting classifications (1 of 4 stars). 6 submissions from 6 submitters: Uncertain significance (2); Likely benign (4). Last evaluated 2025-12-20.

Conditions:
Dilated cardiomyopathy 1DD (CMD1DD). Identifiers: Orphanet 154, MedGen C2750995, MONDO:0013168, OMIM 613172.
Cardiovascular phenotype. Identifiers: MedGen CN230736.

Allele frequency attached by ClinVar (database versions not stated): TOPMed 0.00002; gnomAD 0.00003 and 0.00009; ExAC 0.00005; gnomAD exomes 0.00015 and 0.00017; 1000 Genomes Project 0.00020; 1000 Genomes Project 30x 0.00031.
gnomAD v4.1: 240 of 1,551,564 alleles (0.015%); highest among the groups gnomAD compares: East Asian, 0.56%; no homozygotes.

Submissions (6):

Labcorp Genetics (formerly Invitae), Labcorp
Classification: Likely benign for Dilated cardiomyopathy 1DD. Last evaluated: 2025-12-20. Review status: criteria provided, single submitter. Criteria: Invitae Variant Classification Sherloc (09022015). Collection method: clinical testing. Allele origin: germline.

Blueprint Genetics
Classification: Likely benign. Last evaluated: 2024-01-15. Review status: criteria provided, single submitter. Criteria: ACMG Guidelines, 2015. Collection method: clinical testing. Allele origin: germline.

Women's Health and Genetics/Laboratory Corporation of America, LabCorp
Classification: Likely benign. Last evaluated: 2023-05-15. Review status: criteria provided, single submitter. Criteria: LabCorp Variant Classification Summary - May 2015. Collection method: clinical testing. Allele origin: germline.

Ambry Genetics
Classification: Likely benign for Cardiovascular phenotype. Last evaluated: 2020-01-02. Review status: criteria provided, single submitter. Criteria: Ambry Variant Classification Scheme 2023. Collection method: clinical testing. Allele origin: germline.

Illumina Laboratory Services, Illumina
Classification: Uncertain significance for Dilated cardiomyopathy 1DD. Last evaluated: 2018-01-13. Review status: criteria provided, single submitter. Criteria: ICSL Variant Classification Criteria 13 December 2019. Collection method: clinical testing. Allele origin: germline.

GeneDx
Classification: Uncertain significance. Last evaluated: 2016-11-22. Review status: criteria provided, single submitter. Criteria: GeneDx Variant Classification (06012015). Collection method: clinical testing. Allele origin: germline. Affected: yes.
Comment: A variant of uncertain significance has been identified in the RBM20 gene. The G181R variant has not been published as a pathogenic variant, nor has it been reported as a benign variant to our knowledge. This variant was not observed in approximately 2,300 individuals of European and African American ancestry in the NHLBI Exome Sequencing Project, indicating it is not a common benign variant in these populations. The G181R variant is a non-conservative amino acid substitution, which is likely to impact secondary protein structure as these residues differ in polarity, charge, size and/or other properties. However, this substitution occurs at a position that is not conserved across species, and in silico analysis is inconsistent in its predictions as to whether or not the variant is damaging to the protein structure/function. Furthermore, this variant is not located in the exon 9 hot-spot" region of the RBM20 gene, where many pathogenic variants are located (Brauch et al., 2010).Therefore, based on the currently available information, it is unclear whether this variant is pathogenic or benign."